The following is an entry in ClinVar:

NM_000414.4(HSD17B4):c.113-2206T>C

Gene: HSD17B4 (hydroxysteroid 17-beta dehydrogenase 4; plus strand). Cytogenetic location: 5q23.1.
Variant type: single nucleotide variant.
Coding change: c.113-2206T>C on transcript NM_000414.4 (MANE Select); 2206 bases into the intron before coding-DNA position 113, T replaced by C.
Molecular consequence: intron variant. On other transcripts: splice donor variant (4).
Genome position (GRCh38, 1-based): chr5:119,471,702, T>C. VCF-style: chr5-119471702-T-C. GRCh37 (hg19) VCF-style: chr5-118807397-T-C.
Other names: c.187+2T>C (NM_001199291.2, NM_001199291.3); c.-305+2T>C (NM_001374503.1); c.-169+2T>C (NM_001374499.1); c.-304-2206T>C (NM_001374502.1); c.-426-2206T>C (NM_001374500.1); c.-299-2206T>C (NM_001374501.1, NM_001292028.2); c.40+2T>C (NM_001292027.2); c.113-2206T>C (NM_001374498.1, NM_001374497.1); and 1 more.
Identifiers: ClinVar variation 553226 (VCV000553226.3), dbSNP rs541081959, ClinGen allele CA125855484.
Genomic context (GRCh38, chr5:119,471,702, plus strand): 5'-AAATCTATGCAATAACCCTATGGAGAAGATCATTTCACAATGCAGATTCTTTGTTTCAAG[T>C]AATTCTCTTAAGTTCTGTTTTTCCAAGTTATTTGGCATTTATCTATGTATCTTTTTATTA-3'

ClinVar aggregate classification (germline): Conflicting classifications of pathogenicity. Review status: no assertion criteria provided (0 of 4 stars). 2 submissions from 2 submitters: Uncertain significance (1); Likely benign (1). Last evaluated 2024-08-02.

Conditions:
Bifunctional peroxisomal enzyme deficiency (DBIF). Also called: DBP DEFICIENCY; D-bifunctional protein deficiency; PBFE DEFICIENCY. Identifiers: Orphanet 300, MedGen C0342870, MONDO:0009855, OMIM 261515. Disease mechanism: loss of function.
HSD17B4-related disorder. Also called: HSD17B4-related disorders; HSD17B4-related condition.

Allele frequency attached by ClinVar (database versions not stated): gnomAD exomes 0.00003 and 0.00011; gnomAD 0.00004 and 0.00005; TOPMed 0.00006.
gnomAD v4.1: 141 of 1,408,984 alleles (0.01%); highest among the groups gnomAD compares: Non-Finnish European, 0.013%; no homozygotes.

Submissions (2):

PreventionGenetics, part of Exact Sciences
Classification: Uncertain significance for HSD17B4-related condition. Last evaluated: 2024-08-02. Review status: no assertion criteria provided. Collection method: clinical testing. Allele origin: germline.
Comment: The HSD17B4 c.187+2T>C variant is predicted to disrupt the GT donor site and interfere with normal splicing. This variant can be referred to as deep intronic variant c.113-2206T>C using transcript NM_000414. To our knowledge, this variant has not been reported in the literature. This variant is reported in 0.012% of alleles in individuals of European (Finnish) descent in gnomAD. At this time, the clinical significance of this variant is uncertain due to the absence of conclusive functional and genetic evidence.

Counsyl
Classification: Likely benign for Bifunctional peroxisomal enzyme deficiency. Last evaluated: 2017-08-08. Review status: no assertion criteria provided. Collection method: clinical testing. Allele origin: unknown.